The following is an entry in ClinVar:

NM_001129.5(AEBP1):c.2581T>C (p.Phe861Leu)

Gene: AEBP1 (AE binding protein 1; plus strand). Cytogenetic location: 7p13.
Variant type: single nucleotide variant.
Coding change: c.2581T>C on transcript NM_001129.5 (MANE Select); coding-DNA position 2581, T replaced by C.
Protein change: p.Phe861Leu; replaces phenylalanine 861 with leucine.
Molecular consequence: missense variant.
Genome position (GRCh38, 1-based): chr7:44,113,002, T>C. VCF-style: chr7-44113002-T-C. GRCh37 (hg19) VCF-style: chr7-44152601-T-C.
Other names: short protein forms F861L.
Identifiers: ClinVar variation 4703731 (VCV004703731.1).
Genomic context (GRCh38, chr7:44,113,002, plus strand): 5'-CCTGGTCCGGAGAGGGGCTGACTTTGGGTCTGTATCTGTCCCCGGCCAGCTATCAATGAC[T>C]TCAGTTACCTGCATACCAACTGCCTGGAGCTCTCCTTCTACCTGGGCTGTGACAAGTTCC-3'
Protein context (NP_001120.3, residues 851-871): WNPRTGTIND[Phe861Leu]SYLHTNCLEL

ClinVar aggregate classification (germline): Uncertain significance (1 of 4 stars; one submission).

Submission:

Labcorp Genetics (formerly Invitae), Labcorp
Classification: Uncertain significance. Last evaluated: 2025-11-18. Review status: criteria provided, single submitter. Criteria: Invitae Variant Classification Sherloc (09022015). Collection method: clinical testing. Allele origin: germline.
Comment: This sequence change replaces phenylalanine, which is neutral and non-polar, with leucine, which is neutral and non-polar, at codon 861 of the AEBP1 protein (p.Phe861Leu). This variant is not present in population databases (gnomAD no frequency). This variant has not been reported in the literature in individuals affected with AEBP1-related conditions. An algorithm developed to predict the effect of missense changes on protein structure and function (PolyPhen-2) suggests that this variant is likely to be disruptive. In summary, the available evidence is currently insufficient to determine the role of this variant in disease. Therefore, it has been classified as a Variant of Uncertain Significance.